The following is an entry in ClinVar:

NM_172225.2(DMBX1):c.598G>C (p.Ala200Pro)

Gene: DMBX1 (diencephalon/mesencephalon homeobox 1; plus strand). Cytogenetic location: 1p33.
Variant type: single nucleotide variant.
Coding change: c.598G>C on transcript NM_172225.2 (MANE Select); coding-DNA position 598, G replaced by C.
Protein change: p.Ala200Pro; replaces alanine 200 with proline.
Molecular consequence: missense variant.
Genome position (GRCh38, 1-based): chr1:46,511,199, G>C. VCF-style: chr1-46511199-G-C. GRCh37 (hg19) VCF-style: chr1-46976871-G-C.
Other names: c.598G>C, p.Ala200Pro (NM_001387775.1); c.613G>C, p.Ala205Pro (NM_001387776.1, NM_147192.4); short protein forms A200P, A205P.
Identifiers: ClinVar variation 3037813 (VCV003037813.2), dbSNP rs34614765, ClinGen allele CA836707.

ClinVar aggregate classification (germline): Benign (0 of 4 stars; one submission).

Conditions:
DMBX1-related disorder. Also called: DMBX1-related condition.

Allele frequency attached by ClinVar (database versions not stated): ESP Exome Variant Server 0.03861; gnomAD 0.04136; TOPMed 0.04620; 1000 Genomes Project 0.04732; 1000 Genomes Project 30x 0.04919.
gnomAD v4.1: 12,448 of 1,613,426 alleles (0.77%); highest among the groups gnomAD compares: African/African-American, 15%; 869 homozygotes.

Submission:

PreventionGenetics, part of Exact Sciences
Classification: Benign for DMBX1-related condition. Last evaluated: 2019-05-23. Review status: no assertion criteria provided. Collection method: clinical testing. Allele origin: germline.
Comment: This variant is classified as benign based on ACMG/AMP sequence variant interpretation guidelines (Richards et al. 2015 PMID: 25741868, with internal and published modifications).